The following is an entry in ClinVar:

NM_000540.3(RYR1):c.1999G>T (p.Val667Leu)

Gene: RYR1 (ryanodine receptor 1; plus strand). Cytogenetic location: 19q13.2.
Variant type: single nucleotide variant.
Coding change: c.1999G>T on transcript NM_000540.3 (MANE Select); coding-DNA position 1999, G replaced by T.
Protein change: p.Val667Leu; replaces valine 667 with leucine.
Molecular consequence: missense variant.
Genome position (GRCh38, 1-based): chr19:38,458,124, G>T. VCF-style: chr19-38458124-G-T. GRCh37 (hg19) VCF-style: chr19-38948764-G-T.
Other names: c.1999G>T, p.Val667Leu (NM_001042723.2); short protein forms V667L.
Identifiers: ClinVar variation 3069958 (VCV003069958.1), dbSNP rs1481795333, ClinGen allele CA405695964.

ClinVar aggregate classification (germline): Uncertain significance (1 of 4 stars; one submission).

Conditions:
Malignant hyperthermia, susceptibility to, 1 (MHS1). Also called: RYR1-Related Malignant Hyperthermia Susceptibility; Anesthesia related hyperthermia; Malignant hyperpyrexia; Fulminating hyperpyrexia; Pharmacogenic myopathy; Malignant hyperthermia suceptibility 1. Identifiers: Orphanet 423, MedGen C2930980, MONDO:0007783, OMIM 145600.

Allele frequency attached by ClinVar (database versions not stated): gnomAD exomes below 0.00001.
gnomAD v4.1: 1 of 1,614,012 alleles (0.000062%); highest among the groups gnomAD compares: Non-Finnish European, 0.000085%; no homozygotes.

Submission:

All of Us Research Program, National Institutes of Health
Classification: Uncertain significance for Malignant hyperthermia, susceptibility to, 1. Last evaluated: 2023-03-28. Review status: criteria provided, single submitter. Criteria: ACMG Guidelines, 2015. Collection method: clinical testing. Allele origin: germline. Inheritance: Autosomal dominant inheritance. Observed: 1 variant allele, 1 heterozygote.
Comment: This study involves interpretation of variants in research participants for the purpose of population health screening. Participant phenotype was not available at the time of variant classification. Additional details can be found in publication PMID: 35346344, PMCID: PMC8962531